The following is an entry in ClinVar:

NM_001365902.3(NFIX):c.383G>A (p.Arg128Gln)

Gene: NFIX (nuclear factor I X; plus strand). Cytogenetic location: 19p13.13.
Variant type: single nucleotide variant.
Coding change: c.383G>A on transcript NM_001365902.3 (MANE Select); coding-DNA position 383, G replaced by A.
Protein change: p.Arg128Gln; replaces arginine 128 with glutamine.
Molecular consequence: missense variant.
Genome position (GRCh38, 1-based): chr19:13,025,376, G>A. VCF-style: chr19-13025376-G-A. GRCh37 (hg19) VCF-style: chr19-13136190-G-A.
Other names: c.407G>A, p.Arg136Gln (NM_001271043.2); c.359G>A, p.Arg120Gln (NM_001271044.3, NM_001378404.1); c.383G>A, p.Arg128Gln (NM_001365982.2, NM_002501.4); c.242G>A, p.Arg81Gln (NM_001365983.2); c.380G>A, p.Arg127Gln (NM_001365984.2, NM_001365985.2); c.431G>A, p.Arg144Gln (NM_001378405.1); short protein forms R128Q, R144Q, R81Q, R127Q, R120Q, R136Q.
Identifiers: ClinVar variation 2136086 (VCV002136086.1), dbSNP rs2145192793, ClinGen allele CA404314738.

ClinVar aggregate classification (germline): Likely pathogenic. Review status: criteria provided, multiple submitters, no conflicts (2 of 4 stars). 2 submissions from 2 submitters: Likely pathogenic (2). Last evaluated 2022-07-18.

Conditions:
Malan overgrowth syndrome (MALNS). Also called: MALAN SYNDROME; Sotos syndrome 2; NFIX-Related Malan Syndrome. Identifiers: Orphanet 420179, MedGen C3553660, MONDO:0013885, OMIM 614753.

Submissions (2):

GeneDx
Classification: Likely pathogenic. Last evaluated: 2022-07-18. Review status: criteria provided, single submitter. Criteria: GeneDx Variant Classification Process June 2021. Collection method: clinical testing. Allele origin: germline. Affected: yes.
Comment: Not observed at significant frequency in large population cohorts (gnomAD); In silico analysis supports that this missense variant has a deleterious effect on protein structure/function; Also known as c.383G>A, p.R128Q (NM_002501.3); This variant is associated with the following publications: (PMID: 28475857, 29897170)

Neuberg Centre For Genomic Medicine, NCGM
Classification: Likely pathogenic for Malan overgrowth syndrome. Review status: criteria provided, single submitter. Criteria: ACMG Guidelines, 2015. Collection method: clinical testing. Allele origin: germline. Inheritance: Autosomal dominant inheritance. Affected: yes.
Comment: The missense variant c.383G>A (p.Arg128Gln) in NFIX gene has not been reported previously as a pathogenic variant nor as a benign variant, to our knowledge. The p.Arg128Gln variant is novel (not in any individuals) in gnomAD Exomes and 1000 Genomes. The amino acid Arg at position 128 is changed to a Gln changing protein sequence and it might alter its composition and physico-chemical properties. The amino acid change p.Arg128Gln in NFIX is predicted as conserved by GERP++ and PhyloP across 100 vertebrates. Hence, it is a de novo mutation. For these reasons, this variant has been classified as Likely Pathogenic.